The following is an entry in ClinVar:

NM_001364171.2(ODAD1):c.665+1G>A

Gene: ODAD1 (outer dynein arm docking complex subunit 1; minus strand). Cytogenetic location: 19q13.33.
Variant type: single nucleotide variant.
Coding change: c.665+1G>A on transcript NM_001364171.2 (MANE Select); the canonical splice donor site of the intron after coding-DNA position 665, G replaced by A.
Molecular consequence: splice donor variant.
Genome position (GRCh38, 1-based): chr19:48,306,255, C>T on the plus strand (G>A on the coding strand, the complement: ODAD1 is on the minus strand). VCF-style: chr19-48306255-C-T. GRCh37 (hg19) VCF-style: chr19-48809512-C-T.
Other names: c.554+1G>A (NM_144577.4).
Identifiers: ClinVar variation 4749750 (VCV004749750.1).

ClinVar aggregate classification (germline): Likely pathogenic (1 of 4 stars; one submission).

Conditions:
Primary ciliary dyskinesia. Also called: Ciliary dyskinesia. Identifiers: Orphanet 244, MedGen C0008780, MONDO:0016575, HP:0012265.

gnomAD v4.1: 4 of 1,551,502 alleles (0.00026%); highest among the groups gnomAD compares: Non-Finnish European, 0.00035%; no homozygotes.

Submission:

Labcorp Genetics (formerly Invitae), Labcorp
Classification: Likely pathogenic for Primary ciliary dyskinesia. Last evaluated: 2025-09-08. Review status: criteria provided, single submitter. Criteria: Invitae Variant Classification Sherloc (09022015). Collection method: clinical testing. Allele origin: germline.
Comment: This sequence change affects a donor splice site in intron 6 of the CCDC114 gene. It is expected to disrupt RNA splicing. Variants that disrupt the donor or acceptor splice site typically lead to a loss of protein function (PMID: 16199547), and loss-of-function variants in CCDC114 are known to be pathogenic (PMID: 23261302, 23261303). This variant is not present in population databases (gnomAD no frequency). This variant has not been reported in the literature in individuals affected with CCDC114-related conditions. Algorithms developed to predict the effect of sequence changes on RNA splicing suggest that this variant may disrupt the consensus splice site. In summary, the currently available evidence indicates that the variant is pathogenic, but additional data are needed to prove that conclusively. Therefore, this variant has been classified as Likely Pathogenic.

Literature cited by the submitters: PubMed 16199547; PubMed 23261302; PubMed 23261303.